The following is an entry in ClinVar:

ClinVar aggregate classification (germline): Pathogenic (1 of 4 stars; one submission).

Conditions:
Hereditary spastic paraplegia 11. Also called: Nakamura Osame syndrome; Autosomal recessive hereditary spastic paraplegia, mental impairment, and thin corpus callosum; SPASTIC PARAPLEGIA, AUTOSOMAL RECESSIVE, COMPLICATED, WITH THIN CORPUS CALLOSUM; SPASTIC PARAPLEGIA, AUTOSOMAL RECESSIVE, WITH MENTAL IMPAIRMENT AND THIN CORPUS CALLOSUM; Spastic Paraplegia 11; Spastic paraplegia, mental retardation and thin corpus callosum. Identifiers: Orphanet 2822, MedGen C1858479, MONDO:0011445, OMIM 604360.

Submission:

Labcorp Genetics (formerly Invitae), Labcorp
Classification: Pathogenic for Hereditary spastic paraplegia 11. Last evaluated: 2023-10-18. Review status: criteria provided, single submitter. Criteria: Invitae Variant Classification Sherloc (09022015). Collection method: clinical testing. Allele origin: germline.
Comment: This sequence change creates a premature translational stop signal (p.Ser527*) in the SPG11 gene. It is expected to result in an absent or disrupted protein product. Loss-of-function variants in SPG11 are known to be pathogenic (PMID: 19105190, 20110243, 22154821, 26556829). This variant is not present in population databases (gnomAD no frequency). This variant has not been reported in the literature in individuals affected with SPG11-related conditions. ClinVar contains an entry for this variant (Variation ID: 2014859). For these reasons, this variant has been classified as Pathogenic.

Literature cited by the submitters: PubMed 19105190; PubMed 20110243; PubMed 22154821; PubMed 26556829.

NM_025137.4(SPG11):c.1580C>G (p.Ser527Ter)

Gene: SPG11 (SPG11 vesicle trafficking associated, spatacsin; minus strand). Cytogenetic location: 15q21.1.
Variant type: single nucleotide variant.
Coding change: c.1580C>G on transcript NM_025137.4 (MANE Select); coding-DNA position 1580, C replaced by G.
Protein change: p.Ser527Ter; replaces serine 527 with a stop codon.
Molecular consequence: nonsense.
Genome position (GRCh38, 1-based): chr15:44,648,888, G>C on the plus strand (C>G on the coding strand, the complement: SPG11 is on the minus strand). VCF-style: chr15-44648888-G-C. GRCh37 (hg19) VCF-style: chr15-44941086-G-C.
Other names: c.1580C>G, p.Ser527Ter (NM_001160227.2, NM_001411132.1); short protein forms S527*.
Identifiers: ClinVar variation 2014859 (VCV002014859.4), dbSNP rs1440947266, ClinGen allele CA392235504.
Genomic context (GRCh38, chr15:44,648,888, plus strand): 5'-ATAATTAAGTAATGTTCTTGGGCATTTAATTCTGTTACCTCTAGTGCATGTATGGGAATT[G>C]AGCACCTTCCCCAGCCATTGAGATGACAAAGAGTGTCCACAGTGCTGGCACTTCCATGGA-3'